The following is an entry in ClinVar:

ClinVar aggregate classification (germline): Uncertain significance (1 of 4 stars; one submission).

Conditions:
Joubert syndrome 23 (JBTS23). Identifiers: Orphanet 475, MedGen C4084822, MONDO:0014664, OMIM 616490.
Short-rib thoracic dysplasia 14 with polydactyly (SRTD14). Identifiers: Orphanet 397715, MedGen C4225286, MONDO:0014688, OMIM 616546.

Allele frequency attached by ClinVar (database versions not stated): gnomAD exomes below 0.00001 and 0.00002; ExAC 0.00001; gnomAD 0.00001; TOPMed 0.00001.

Submission:

Labcorp Genetics (formerly Invitae), Labcorp
Classification: Uncertain significance for Joubert syndrome 23; Short-rib thoracic dysplasia 14 with polydactyly. Last evaluated: 2024-10-22. Review status: criteria provided, single submitter. Criteria: Invitae Variant Classification Sherloc (09022015). Collection method: clinical testing. Allele origin: germline.
Comment: This sequence change replaces methionine, which is neutral and non-polar, with valine, which is neutral and non-polar, at codon 1162 of the KIAA0586 protein (p.Met1162Val). This variant is present in population databases (rs773159825, gnomAD 0.01%). This variant has not been reported in the literature in individuals affected with KIAA0586-related conditions. ClinVar contains an entry for this variant (Variation ID: 1391553). Invitae Evidence Modeling of protein sequence and biophysical properties (such as structural, functional, and spatial information, amino acid conservation, physicochemical variation, residue mobility, and thermodynamic stability) indicates that this missense variant is not expected to disrupt KIAA0586 protein function with a negative predictive value of 80%. In summary, the available evidence is currently insufficient to determine the role of this variant in disease. Therefore, it has been classified as a Variant of Uncertain Significance.

NM_001329943.3(KIAA0586):c.3325A>G (p.Met1109Val)

Gene: KIAA0586 (KIAA0586; plus strand). Cytogenetic location: 14q23.1.
Variant type: single nucleotide variant.
Coding change: c.3325A>G on transcript NM_001329943.3 (MANE Select); coding-DNA position 3325, A replaced by G.
Protein change: p.Met1109Val; replaces methionine 1109 with valine.
Molecular consequence: missense variant.
Genome position (GRCh38, 1-based): chr14:58,487,907, A>G. VCF-style: chr14-58487907-A-G. GRCh37 (hg19) VCF-style: chr14-58954625-A-G.
Other names: c.3484A>G, p.Met1162Val (NM_001244189.2); c.3280A>G, p.Met1094Val (NM_001244190.2); c.3070A>G, p.Met1024Val (NM_001244191.2, NM_001329945.2, NM_001364700.1 and 1 more transcripts); c.3193A>G, p.Met1065Val (NM_001244192.2); c.2905A>G, p.Met969Val (NM_001244193.2); c.3325A>G, p.Met1109Val (NM_001329944.2, NM_001329946.2, NM_001329947.2); c.3097A>G, p.Met1033Val (NM_014749.5); short protein forms M1024V, M1065V, M1109V, M1162V, M1094V, M1033V, M969V.
Identifiers: ClinVar variation 1391553 (VCV001391553.4), dbSNP rs773159825, ClinGen allele CA7206136.